The following is an entry in ClinVar:

NC_000009.11:g.(?_367998)_(464239_?)dup

Gene: DOCK8 (dedicator of cytokinesis 8; plus strand). Cytogenetic location: 9p24.3.
Variant type: Duplication.
Identifiers: ClinVar variation 1054568 (VCV001054568.1).

ClinVar aggregate classification (germline): Uncertain significance (1 of 4 stars; one submission).

Conditions:
Combined immunodeficiency due to DOCK8 deficiency (HIES2). Also called: HIES autosomal recessive; DOCK8 Deficiency; HYPER-IgE SYNDROME 2, AUTOSOMAL RECESSIVE, WITH RECURRENT INFECTIONS; Hyper-IgE recurrent infection syndrome, autosomal recessive; HYPER-IgE RECURRENT INFECTION SYNDROME 2, AUTOSOMAL RECESSIVE. Identifiers: Orphanet 217390, MedGen C4722305, MONDO:0009478, OMIM 243700.

Submission:

Labcorp Genetics (formerly Invitae), Labcorp
Classification: Uncertain significance for Combined immunodeficiency due to DOCK8 deficiency. Last evaluated: 2020-05-03. Review status: criteria provided, single submitter. Criteria: Invitae Variant Classification Sherloc (09022015). Collection method: clinical testing. Allele origin: germline.
Comment: This variant results in a copy number gain of the genomic region encompassing exon(s) 15-48 of the DOCK8 gene. The 5' boundary is likely confined to intron 14. The 3' end of this event is unknown as it extends beyond the assayed region for this gene and therefore may encompass additional genes. As the precise location of this event is unknown, it may be in tandem or it may be located elsewhere in the genome. This variant has not been reported in the literature in individuals with DOCK8-related conditions. Experimental studies and prediction algorithms are not available or were not evaluated, and the functional significance of this variant is currently unknown. In summary, the available evidence is currently insufficient to determine the role of this variant in disease. Therefore, it has been classified as a Variant of Uncertain Significance.